The following is an entry in ClinVar:

NM_000321.3(RB1):c.560C>T (p.Ser187Phe)

Gene: RB1 (RB transcriptional corepressor 1; plus strand). Cytogenetic location: 13q14.2.
Variant type: single nucleotide variant.
Coding change: c.560C>T on transcript NM_000321.3 (MANE Select); coding-DNA position 560, C replaced by T.
Protein change: p.Ser187Phe; replaces serine 187 with phenylalanine.
Molecular consequence: missense variant.
Genome position (GRCh38, 1-based): chr13:48,348,976, C>T. VCF-style: chr13-48348976-C-T. GRCh37 (hg19) VCF-style: chr13-48923112-C-T.
Other names: short protein forms S187F.
Identifiers: ClinVar variation 825848 (VCV000825848.19), dbSNP rs770277291, ClinGen allele CA038793.

ClinVar aggregate classification (germline): Conflicting classifications of pathogenicity. Review status: criteria provided, conflicting classifications (1 of 4 stars). 6 submissions from 6 submitters: Uncertain significance (4); Benign (1); Likely benign (1). Last evaluated 2025-09-08.

Conditions:
Hereditary cancer-predisposing syndrome. Also called: Neoplastic Syndromes, Hereditary; Tumor predisposition; Hereditary neoplastic syndrome; Hereditary Cancer Syndrome. Identifiers: Orphanet 140162, MedGen C0027672, MeSH D009386, MONDO:0015356.
Retinoblastoma (RB1). Also called: RETINOBLASTOMA, SOMATIC. Identifiers: Orphanet 790, MedGen C0035335, MeSH D012175, MONDO:0008380, OMIM 180200, HP:0009919. Disease mechanism: loss of function. Inheritance: Both sporadic and heritable forms are tested..

Allele frequency attached by ClinVar (database versions not stated): ExAC 0.00001; gnomAD 0.00001; gnomAD exomes 0.00001.
gnomAD v4.1: 12 of 1,601,298 alleles (0.00075%); highest among the groups gnomAD compares: Non-Finnish European, 0.001%; no homozygotes.

Submissions (6):

Labcorp Genetics (formerly Invitae), Labcorp
Classification: Benign for Retinoblastoma. Last evaluated: 2025-09-08. Review status: criteria provided, single submitter. Criteria: Invitae Variant Classification Sherloc (09022015). Collection method: clinical testing. Allele origin: germline.

Revvity Omics, Revvity
Classification: Uncertain significance for Retinoblastoma. Last evaluated: 2024-03-12. Review status: criteria provided, single submitter. Criteria: ACMG Guidelines, 2015. Collection method: clinical testing. Allele origin: germline.

All of Us Research Program, National Institutes of Health
Classification: Uncertain significance for Retinoblastoma. Last evaluated: 2023-12-01. Review status: criteria provided, single submitter. Criteria: ACMG Guidelines, 2015. Collection method: clinical testing. Allele origin: germline. Inheritance: Autosomal dominant inheritance. Observed: 3 variant alleles, 3 heterozygotes.
Comment: This missense variant replaces serine with phenylalanine at codon 187 of the RB1 protein. Computational prediction suggests that this variant may not impact protein structure and function (internally defined REVEL score threshold <= 0.5, PMID: 27666373). To our knowledge, functional studies have not been reported for this variant. This variant has not been reported in individuals affected with hereditary cancer in the literature. This variant has been identified in 2/248866 chromosomes in the general population by the Genome Aggregation Database (gnomAD). The available evidence is insufficient to determine the role of this variant in disease conclusively. Therefore, this variant is classified as a Variant of Uncertain Significance.

This study involves interpretation of variants in research participants for the purpose of population health screening. Participant phenotype was not available at the time of variant classification. Additional details can be found in publication PMID: 35346344, PMCID: PMC8962531

GeneDx
Classification: Uncertain significance. Last evaluated: 2023-06-21. Review status: criteria provided, single submitter. Criteria: GeneDx Variant Classification Process June 2021. Collection method: clinical testing. Allele origin: germline. Affected: yes.
Comment: Not observed at significant frequency in large population cohorts (gnomAD); In silico analysis supports that this missense variant does not alter protein structure/function; Has not been previously published as pathogenic or benign to our knowledge; This variant is associated with the following publications: (PMID: 23516486)

Color Diagnostics, LLC DBA Color Health
Classification: Uncertain significance for Retinoblastoma. Last evaluated: 2023-01-18. Review status: criteria provided, single submitter. Criteria: ACMG Guidelines, 2015. Collection method: clinical testing. Allele origin: germline.
Comment: This missense variant replaces serine with phenylalanine at codon 187 of the RB1 protein. Computational prediction suggests that this variant may not impact protein structure and function (internally defined REVEL score threshold <= 0.5, PMID: 27666373). To our knowledge, functional studies have not been reported for this variant. This variant has not been reported in individuals affected with hereditary cancer in the literature. This variant has been identified in 2/248866 chromosomes in the general population by the Genome Aggregation Database (gnomAD). The available evidence is insufficient to determine the role of this variant in disease conclusively. Therefore, this variant is classified as a Variant of Uncertain Significance.

Ambry Genetics
Classification: Likely benign for Hereditary cancer-predisposing syndrome. Last evaluated: 2022-12-21. Review status: criteria provided, single submitter. Criteria: Ambry Variant Classification Scheme 2023. Collection method: clinical testing. Allele origin: germline.